The following is an entry in ClinVar:

NM_000051.4(ATM):c.4900_4904del (p.Ala1634fs)

Gene: ATM (ATM serine/threonine kinase; plus strand). Cytogenetic location: 11q22.3.
Variant type: Deletion.
Coding change: c.4900_4904del on transcript NM_000051.4 (MANE Select); coding-DNA positions 4900 to 4904, 5 bases deleted (GCTTC; older notation c.4900_4904delGCTTC).
Protein change: p.Ala1634fs; shifts the reading frame from alanine 1634.
Molecular consequence: frameshift variant.
Genome position (GRCh38, 1-based): chr11:108,295,050-108,295,054, GCTTC deleted. VCF-style (leftmost placement, unchanged base first): chr11-108295049-AGCTTC-A. GRCh37 (hg19) VCF-style: chr11-108165776-AGCTTC-A.
Other names: c.4900_4904del, p.Ala1634fs (NM_001351834.2); short protein forms A1634fs.
Identifiers: ClinVar variation 817093 (VCV000817093.3), dbSNP rs1591685276, ClinGen allele CA915944428.
Genomic context (GRCh38, chr11:108,295,049, plus strand): 5'-ACTAAAGGATCTTCGAAGACAACTGGAACTACATAAAGATCAGATGGTGGACATTATGAG[AGCTTC>A]TCAGGGTGCTAATTTTAAATGACATGGGCTATTTCTACCTGTTTCTTTTTGAAAGAATAT-3'

ClinVar aggregate classification (germline): Pathogenic. Review status: criteria provided, multiple submitters, no conflicts (2 of 4 stars). 2 submissions from 2 submitters: Pathogenic (2). Last evaluated 2020-05-29.

Conditions:
Hereditary cancer-predisposing syndrome. Also called: Tumor predisposition; Hereditary neoplastic syndrome; Neoplastic Syndromes, Hereditary; Hereditary Cancer Syndrome. Identifiers: Orphanet 140162, MedGen C0027672, MeSH D009386, MONDO:0015356.

Submissions (2):

Ambry Genetics
Classification: Pathogenic for Hereditary cancer-predisposing syndrome. Last evaluated: 2020-05-29. Review status: criteria provided, single submitter. Criteria: Ambry Variant Classification Scheme 2023. Collection method: clinical testing. Allele origin: germline.
Comment: The c.4900_4904delGCTTC pathogenic mutation, located in coding exon 31 of the ATM gene, results from a deletion of 5 nucleotides at nucleotide positions 4900 to 4904, causing a translational frameshift with a predicted alternate stop codon (p.A1634Sfs*3). This alteration is expected to result in loss of function by premature protein truncation or nonsense-mediated mRNA decay. As such, this alteration is interpreted as a disease-causing mutation.

GeneDx
Classification: Pathogenic. Last evaluated: 2018-05-24. Review status: criteria provided, single submitter. Criteria: GeneDx Variant Classification (06012015). Collection method: clinical testing. Allele origin: germline. Affected: yes.
Comment: This deletion of five nucleotides in ATM is denoted c.4900_4904delGCTTC at the cDNA level and p.Ala1634SerfsX3 (A1634SfsX3) at the protein level. The normal sequence, with the bases that are deleted in brackets, is GAGA[delGCTTC]TCAG. The deletion causes a frameshift which changes an Alanine to a Serine at codon 1634, and creates a premature stop codon at position 3 of the new reading frame. Although this variant has not, to our knowledge, been reported in the literature as a germline variant, it is predicted to cause loss of normal protein function through either protein truncation or nonsense-mediated mRNA decay. We consider this variant to be pathogenic.